The following is an entry in ClinVar:

ClinVar aggregate classification (germline): Pathogenic (1 of 4 stars; one submission).

Conditions:
Trichorhinophalangeal syndrome, type III (TRPS3). Also called: SUGIO-KAJII SYNDROME. Identifiers: Orphanet 77258, MedGen C1860823, OMIM 190351, MONDO:0008597.
Trichorhinophalangeal dysplasia type I (TRPS1). Also called: TRICHORHINOPHALANGEAL SYNDROME, TYPE I; TRPS I. Identifiers: Orphanet 77258, MedGen C0432233, MONDO:0008596, OMIM 190350.

Submission:

Labcorp Genetics (formerly Invitae), Labcorp
Classification: Pathogenic for Trichorhinophalangeal syndrome, type III; Trichorhinophalangeal dysplasia type I. Last evaluated: 2025-05-04. Review status: criteria provided, single submitter. Criteria: Invitae Variant Classification Sherloc (09022015). Collection method: clinical testing. Allele origin: germline.
Comment: This sequence change creates a premature translational stop signal (p.Lys792*) in the TRPS1 gene. It is expected to result in an absent or disrupted protein product. Loss-of-function variants in TRPS1 are known to be pathogenic (PMID: 11112658). This variant is not present in population databases (gnomAD no frequency). This variant has not been reported in the literature in individuals affected with TRPS1-related conditions. ClinVar contains an entry for this variant (Variation ID: 1224423). Algorithms developed to predict the effect of sequence changes on RNA splicing suggest that this variant may create or strengthen a splice site. For these reasons, this variant has been classified as Pathogenic.

Literature cited by the submitters: PubMed 11112658.

NM_014112.5(TRPS1):c.2374A>T (p.Lys792Ter)

Gene: TRPS1 (transcriptional repressor GATA binding 1; minus strand). Cytogenetic location: 8q23.3.
Variant type: single nucleotide variant.
Coding change: c.2374A>T on transcript NM_014112.5 (MANE Select); coding-DNA position 2374, A replaced by T.
Protein change: p.Lys792Ter; replaces lysine 792 with a stop codon.
Molecular consequence: nonsense.
Genome position (GRCh38, 1-based): chr8:115,587,327, T>A on the plus strand (A>T on the coding strand, the complement: TRPS1 is on the minus strand). VCF-style: chr8-115587327-T-A. GRCh37 (hg19) VCF-style: chr8-116599554-T-A.
Other names: c.2347A>T, p.Lys783Ter (NM_001282902.3); c.2353A>T, p.Lys785Ter (NM_001282903.3); c.2335A>T, p.Lys779Ter (NM_001330599.2); short protein forms K779*, K783*, K785*, K792*.
Identifiers: ClinVar variation 1224423 (VCV001224423.2), dbSNP rs2130444978, ClinGen allele CA372065247.